The following is an entry in ClinVar:

ClinVar aggregate classification (germline): Pathogenic/Likely pathogenic. Review status: criteria provided, multiple submitters, no conflicts (2 of 4 stars). 4 submissions from 4 submitters: Pathogenic (2); Likely pathogenic (2). Last evaluated 2025-05-05.

Conditions:
Primary ciliary dyskinesia 3. Identifiers: Orphanet 244, MedGen C1837618, MONDO:0012085, OMIM 608644.
DNAH5-related disorders.
Primary ciliary dyskinesia. Also called: Ciliary dyskinesia. Identifiers: Orphanet 244, MedGen C0008780, MONDO:0016575, HP:0012265.

Allele frequency attached by ClinVar (database versions not stated): gnomAD exomes 0.00001 and below 0.00001; ExAC 0.00002; 1000 Genomes Project 30x 0.00031; gnomAD 0.00001; 1000 Genomes Project 0.00040.
gnomAD v4.1: 5 of 1,613,932 alleles (0.00031%); highest among the groups gnomAD compares: African/African-American, 0.0067%; no homozygotes.

Submissions (4):

First Genomix Gene Laboratory, Genetic Diagnostics Department
Classification: Likely pathogenic for Primary ciliary dyskinesia 3. Last evaluated: 2025-05-05. Review status: criteria provided, single submitter. Criteria: ACMG Guidelines, 2015. Collection method: clinical testing. Allele origin: germline. Inheritance: Autosomal recessive inheritance. Affected: no. Observed: 1 variant allele.

Myriad Genetics, Inc.
Classification: Pathogenic for Primary ciliary dyskinesia 3. Last evaluated: 2024-05-14. Review status: criteria provided, single submitter. Criteria: Myriad Autosomal Dominant, Autosomal Recessive and X-Linked Classification Criteria (2023). Collection method: clinical testing. Allele origin: unknown.
Comment: NM_001369.2(DNAH5):c.1054G>T(E352*) is expected to be pathogenic in the context of primary ciliary dyskinesia, DNAH5-related. This variant is predicted to lead to an abnormal or absent protein product due to the creation of a premature termination codon in DNAH5, a gene where loss-of-function variants are known to be pathogenic. Please note: this variant was assessed in the context of healthy population screening.

Labcorp Genetics (formerly Invitae), Labcorp
Classification: Pathogenic for Primary ciliary dyskinesia. Last evaluated: 2022-06-20. Review status: criteria provided, single submitter. Criteria: Invitae Variant Classification Sherloc (09022015). Collection method: clinical testing. Allele origin: germline.
Comment: For these reasons, this variant has been classified as Pathogenic. Algorithms developed to predict the effect of sequence changes on RNA splicing suggest that this variant may disrupt the consensus splice site. ClinVar contains an entry for this variant (Variation ID: 855983). This premature translational stop signal has been observed in individual(s) with DNAH5-related conditions (Invitae). This variant is present in population databases (rs189080233, gnomAD 0.01%). This sequence change creates a premature translational stop signal (p.Glu352*) in the DNAH5 gene. It is expected to result in an absent or disrupted protein product. Loss-of-function variants in DNAH5 are known to be pathogenic (PMID: 11788826, 16627867).

Blueprint Genetics
Classification: Likely pathogenic for DNAH5-related disorders. Last evaluated: 2017-12-28. Review status: criteria provided, single submitter. Criteria: ACMG Guidelines, 2015. Collection method: clinical testing. Allele origin: germline. Affected: yes. Observed: 1 variant allele.

Literature cited by the submitters: PubMed 11788826 (cited by Labcorp Genetics (formerly Invitae), Labcorp); PubMed 16627867 (cited by Labcorp Genetics (formerly Invitae), Labcorp).

NM_001369.3(DNAH5):c.1054G>T (p.Glu352Ter)

Gene: DNAH5 (dynein axonemal heavy chain 5; minus strand). Cytogenetic location: 5p15.2.
Variant type: single nucleotide variant.
Coding change: c.1054G>T on transcript NM_001369.3 (MANE Select); coding-DNA position 1054, G replaced by T.
Protein change: p.Glu352Ter; replaces glutamic acid 352 with a stop codon.
Molecular consequence: nonsense.
Genome position (GRCh38, 1-based): chr5:13,917,178, C>A on the plus strand (G>T on the coding strand, the complement: DNAH5 is on the minus strand). VCF-style: chr5-13917178-C-A. GRCh37 (hg19) VCF-style: chr5-13917287-C-A.
Other names: short protein forms E352*.
Identifiers: ClinVar variation 855983 (VCV000855983.13), dbSNP rs189080233, ClinGen allele CA3204980.